The following is an entry in ClinVar:

NM_004329.3(BMPR1A):c.1562T>G (p.Leu521Arg)

Gene: BMPR1A (bone morphogenetic protein receptor type 1A; plus strand). Cytogenetic location: 10q23.2.
Variant type: single nucleotide variant.
Coding change: c.1562T>G on transcript NM_004329.3 (MANE Select); coding-DNA position 1562, T replaced by G.
Protein change: p.Leu521Arg; replaces leucine 521 with arginine.
Molecular consequence: missense variant. On other transcripts: non-coding transcript variant (3).
Genome position (GRCh38, 1-based): chr10:86,923,682, T>G. VCF-style: chr10-86923682-T-G. GRCh37 (hg19) VCF-style: chr10-88683439-T-G.
Other names: c.1637T>G, p.Leu546Arg (NM_001406559.1); c.1610T>G, p.Leu537Arg (NM_001406560.1); c.1562T>G, p.Leu521Arg (NM_001406561.1, NM_001406562.1, NM_001406563.1 and 19 more transcripts); c.1556T>G, p.Leu519Arg (NM_001406583.1); c.1478T>G, p.Leu493Arg (NM_001406584.1, NM_001406585.1, NM_001406586.1 and 2 more transcripts); c.1220T>G, p.Leu407Arg (NM_001406589.1); short protein forms L407R, L493R, L519R, L521R, L537R, L546R.
Identifiers: ClinVar variation 3347155 (VCV003347155.1).
Genomic context (GRCh38, chr10:86,923,682, plus strand): 5'-CAGAATGCTGGGCCCACAATCCAGCCTCCAGACTCACAGCATTGAGAATTAAGAAGACGC[T>G]TGCCAAGATGGTTGAATCCCAAGATGTAAAAATCTGATGGTTAAACCATCGGAGGAGAAA-3'
Protein context (NP_004320.2, residues 511-531): RLTALRIKKT[Leu521Arg]AKMVESQDVK

ClinVar aggregate classification (germline): Uncertain significance (0 of 4 stars; one submission).

Conditions:
BMPR1A-related disorder. Also called: BMPR1A-related condition.

Submission:

PreventionGenetics, part of Exact Sciences
Classification: Uncertain significance for BMPR1A-related condition. Last evaluated: 2024-04-27. Review status: no assertion criteria provided. Collection method: clinical testing. Allele origin: germline.
Comment: The BMPR1A c.1562T>G variant is predicted to result in the amino acid substitution p.Leu521Arg. To our knowledge, this variant has not been reported in the literature or in a large population database, indicating this variant is rare. This variant is not listed in ClinVar, but another missense variant at the same location (c.1562 T>C, p.Leu521Pro) is interpreted as uncertain. At this time, the clinical significance of this variant is uncertain due to the absence of conclusive functional and genetic evidence.